The following is an entry in ClinVar:

ClinVar aggregate classification (germline): Pathogenic/Likely pathogenic. Review status: criteria provided, multiple submitters, no conflicts (2 of 4 stars). 8 submissions from 8 submitters: Pathogenic (6); Likely pathogenic (2). Last evaluated 2025-08-29.

Conditions:
Cardiovascular phenotype. Identifiers: MedGen CN230736.
Primary dilated cardiomyopathy (DCM). Also called: Dilated Cardiomyopathy. Identifiers: Orphanet 217604, MedGen C0007193, MeSH D002311, MONDO:0005021, HP:0001644. Inheritance: Various modes of inheritance.
TTN-related disorder. Also called: TTN-related condition; TTN-related disease; TTN-related disorders.
Dilated cardiomyopathy 1G (CMD1G). Identifiers: Orphanet 154, MedGen C1858763, MONDO:0011400, OMIM 604145.
Autosomal recessive limb-girdle muscular dystrophy type 2J (LGMDR10). Also called: Limb-girdle muscular dystrophy, type 2J; MUSCULAR DYSTROPHY, LIMB-GIRDLE, AUTOSOMAL RECESSIVE 10. Identifiers: Orphanet 140922, MedGen C1837342, MONDO:0012127, OMIM 608807.

Submissions (8):

Labcorp Genetics (formerly Invitae), Labcorp
Classification: Pathogenic for Dilated cardiomyopathy 1G; Autosomal recessive limb-girdle muscular dystrophy type 2J. Last evaluated: 2025-08-29. Review status: criteria provided, single submitter. Criteria: Invitae Variant Classification Sherloc (09022015). Collection method: clinical testing. Allele origin: germline.
Comment: This sequence change creates a premature translational stop signal (p.Arg31781*) in the TTN gene. While this is not anticipated to result in nonsense mediated decay, it is expected to create a truncated TTN protein. This variant is not present in population databases (gnomAD no frequency). This premature translational stop signal has been observed in individuals with dilated cardiomyopathy, centronuclear myopathy (PMID: 25163546, 31112426, 33019804, 35081925; internal data). This variant is also known as c.C68722T, p.R22908X. ClinVar contains an entry for this variant (Variation ID: 1700262). This variant is located in the A band of TTN (PMID: 25589632). Truncating variants in this region are significantly overrepresented in patients affected with dilated cardiomyopathy (PMID: 25589632). Truncating variants in this region have also been reported in individuals affected with autosomal recessive centronuclear myopathy (PMID: 23975875). For these reasons, this variant has been classified as Pathogenic.

Molecular Diagnostic Laboratory for Inherited Cardiovascular Disease, Montreal Heart Institute
Classification: Pathogenic for Cardiovascular phenotype. Last evaluated: 2025-03-10. Review status: criteria provided, single submitter. Criteria: ACMG Guidelines, 2015. Collection method: clinical testing. Allele origin: germline. Affected: yes.
Comment: PVS1, PS2, PM2, PM3, PS4_supp

Mayo Clinic Laboratories, Mayo Clinic
Classification: Pathogenic. Last evaluated: 2024-04-11. Review status: criteria provided, single submitter. Criteria: ACMG Guidelines, 2015. Collection method: clinical testing. Allele origin: germline. Observed: 1 variant allele.
Comment: PM2, PS2_supporting, PS4_moderate, PVS1

Genomic Medicine Center of Excellence, King Faisal Specialist Hospital and Research Centre
Classification: Likely pathogenic for Dilated cardiomyopathy 1G. Last evaluated: 2024-03-25. Review status: criteria provided, single submitter. Criteria: ACMG Guidelines, 2015. Collection method: research. Allele origin: germline.

Lildballe Lab, Aarhus University Hospital
Classification: Pathogenic for dilated cardiomyopathy. Last evaluated: 2024-03-01. Review status: criteria provided, single submitter. Criteria: ACMG Guidelines, 2015. Collection method: research. Allele origin: germline. Affected: yes.
Comment: PS4(m), PVS1(vs), PM2(sup)

GeneDx
Classification: Pathogenic. Last evaluated: 2023-05-12. Review status: criteria provided, single submitter. Criteria: GeneDx Variant Classification Process June 2021. Collection method: clinical testing. Allele origin: germline. Affected: yes.
Comment: Identified in patients with DCM referred for genetic testing at GeneDx and in published literature (Haas et al., 2015; Jansen et al., 2019; Hey et al., 2020; Vissing et al., 2021); also described as p.(R30140*); Nonsense variant predicted to result in protein truncation or nonsense mediated decay in a gene for which loss of function is a known mechanism of disease; Located in the A-band region of TTN in which the majority of loss of function variants have been associated with autosomal dominant titinopathies (Herman et al., 2012); Not observed at significant frequency in large population cohorts (gnomAD); This variant is associated with the following publications: (PMID: 22335739, 33019804, 35081925, 33106378, 31112426, 34295493, 25163546)

PreventionGenetics, part of Exact Sciences
Classification: Likely pathogenic for TTN-related condition. Last evaluated: 2023-03-29. Review status: criteria provided, single submitter. Criteria: ACMG Guidelines, 2015. Collection method: clinical testing. Allele origin: germline.
Comment: The TTN c.95341C>T variant is predicted to result in premature protein termination (p.Arg31781*). This variant was reported in an individual with dilated cardiomyopathy (Haas et al. 2014. PubMed ID: 25163546). Other chain-terminating variants have been reported in this exon in individuals with dilated cardiomyopathy (for example see Norton et al. 2013. PubMed ID: 23418287). This variant was also reported in an individual with autosomal recessive congenital myopathy who also had a splicing variant in TTN (Zhang et al. 2022. PubMed ID: 35081925). This variant resides in the A band and this exon has a percent spliced in, or PSI, of 100%. This variant has not been reported in a large population database, indicating this variant is rare. Nonsense variants in TTN are expected to be pathogenic. This variant is interpreted as likely pathogenic.

Ambry Genetics
Classification: Pathogenic for Cardiovascular phenotype. Last evaluated: 2022-08-12. Review status: criteria provided, single submitter. Criteria: Ambry Variant Classification Scheme 2023. Collection method: clinical testing. Allele origin: germline.
Comment: The p.R22716* pathogenic mutation (also known as c.68146C>T), located in coding exon 170 of the TTN gene, results from a C to T substitution at nucleotide position 68146. This changes the amino acid from an arginine to a stop codon within coding exon 170. This exon is located in the A-band region of the N2-B isoform of the titin protein and is constitutively expressed in TTN transcripts (percent spliced in or PSI 100%). This variant (referred to as c.68722C>T, p.R22908X) has been detected in a dilated cardiomyopathy (DCM) cohort (Haas J et al. Eur Heart J, 2015 May;36:1123-35a). This variant is considered to be rare based on population cohorts in the Genome Aggregation Database (gnomAD). In addition, this alteration is expected to result in loss of function by premature protein truncation or nonsense-mediated mRNA decay. While truncating variants in TTN are present in 1-3% of the general population, truncating variants in the A-band are the most common cause of DCM (Herman DS et al. N. Engl. J. Med., 2012 Feb;366:619-28; Roberts AM et al. Sci Transl Med, 2015 Jan;7:270ra6). TTN truncating variants encoded in constitutive exons (PSI >90%) have been found to be significantly associated with DCM regardless of their position in titin (Schafer S et al. Nat. Genet., 2017 01;49:46-53). Based on the supporting evidence, this alteration is interpreted as a disease-causing mutation.

Literature cited by the submitters: PubMed 25163546 (cited by 3 submitters); PubMed 31112426 (cited by Labcorp Genetics (formerly Invitae), Labcorp and Mayo Clinic Laboratories, Mayo Clinic); PubMed 33019804 (cited by Labcorp Genetics (formerly Invitae), Labcorp and Mayo Clinic Laboratories, Mayo Clinic); PubMed 35081925 (cited by Labcorp Genetics (formerly Invitae), Labcorp and Mayo Clinic Laboratories, Mayo Clinic); PubMed 25589632 (cited by Labcorp Genetics (formerly Invitae), Labcorp); PubMed 23975875 (cited by Labcorp Genetics (formerly Invitae), Labcorp); PubMed 33106378 (cited by Mayo Clinic Laboratories, Mayo Clinic); PubMed 34295493 (cited by Mayo Clinic Laboratories, Mayo Clinic); PubMed 36396199 (cited by Mayo Clinic Laboratories, Mayo Clinic); PubMed 25741952 (cited by Lildballe Lab, Aarhus University Hospital); PubMed 39481677 (cited by Lildballe Lab, Aarhus University Hospital).

NM_001267550.2(TTN):c.95341C>T (p.Arg31781Ter)

Genes: TTN-AS1 (TTN antisense RNA 1; plus strand), TTN (titin; minus strand). Cytogenetic location: 2q31.2.
Variant type: single nucleotide variant.
Coding change: c.95341C>T on transcript NM_001267550.2 (MANE Select); coding-DNA position 95341, C replaced by T.
Protein change: p.Arg31781Ter; replaces arginine 31781 with a stop codon.
Molecular consequence: nonsense.
Genome position (GRCh38, 1-based): chr2:178,545,895, G>A on the plus strand (C>T on the coding strand, the complement: TTN is on the minus strand). VCF-style: chr2-178545895-G-A. GRCh37 (hg19) VCF-style: chr2-179410622-G-A.
Other names: p.Arg30140*; c.90418C>T, p.Arg30140Ter (NM_001256850.1); c.68146C>T, p.Arg22716Ter (NM_003319.4); c.87637C>T, p.Arg29213Ter (NM_133378.4); c.68521C>T, p.Arg22841Ter (NM_133432.3); c.68722C>T, p.Arg22908Ter (NM_133437.4); short protein forms R22716*, R22841*, R22908*, R29213*, R30140*, R31781*.
Identifiers: ClinVar variation 1700262 (VCV001700262.14), dbSNP rs780414947, ClinGen allele CA349462765.